The following is an entry in ClinVar:

NM_198253.3(TERT):c.624G>T (p.Arg208Ser)

Gene: TERT (telomerase reverse transcriptase; minus strand). Cytogenetic location: 5p15.33.
Variant type: single nucleotide variant.
Coding change: c.624G>T on transcript NM_198253.3 (MANE Select); coding-DNA position 624, G replaced by T.
Protein change: p.Arg208Ser; replaces arginine 208 with serine.
Molecular consequence: missense variant. On other transcripts: non-coding transcript variant (2).
Genome position (GRCh38, 1-based): chr5:1,294,262, C>A on the plus strand (G>T on the coding strand, the complement: TERT is on the minus strand). VCF-style: chr5-1294262-C-A. GRCh37 (hg19) VCF-style: chr5-1294377-C-A.
Other names: c.624G>T, p.Arg208Ser (NM_001193376.3); c.624G>T (NM_198253.2); short protein forms R208S.
Identifiers: ClinVar variation 1467173 (VCV001467173.10), dbSNP rs773987859, ClinGen allele CA359057153.
Genomic context (GRCh38, chr5:1,294,262, plus strand): 5'-GGCACTGCCCCCGCGCCTCCTCGCACCCGGGGCTGGCAGGCCCAGGGGGACCCCGGCCTC[C>A]CTGACGCTATGGTTCCAGGCCCGTTCGCATCCCAGACGCCTTCGGGGTCCACTAGCGTGT-3'
Protein context (NP_937983.2, residues 198-218): GCERAWNHSV[Arg208Ser]EAGVPLGLPA

ClinVar aggregate classification (germline): Conflicting classifications of pathogenicity. Review status: criteria provided, conflicting classifications (1 of 4 stars). 3 submissions from 3 submitters: Uncertain significance (1); Likely benign (1). 1 of the submissions does not count toward it. Last evaluated 2025-07-20.

Conditions:
Dyskeratosis congenita. Identifiers: Orphanet 1775, MedGen C0265965, MONDO:0015780.
Idiopathic Pulmonary Fibrosis. Also called: Idiopathic fibrosing alveolitis, chronic form; idiopathic fibrosing alveolitis. Identifiers: Orphanet 2032, MedGen C1800706, MeSH D054990, MONDO:0800504.
Dyskeratosis congenita, autosomal dominant 2. Identifiers: MedGen C3151443, MONDO:0013521, OMIM 613989.
TERT-related disorder. Also called: TERT-related disorders; TERT-related condition.

Submissions (3):

Ambry Genetics
Classification: Uncertain significance for Dyskeratosis congenita. Last evaluated: 2025-07-20. Review status: criteria provided, single submitter. Criteria: Ambry Variant Classification Scheme 2023. Collection method: clinical testing. Allele origin: germline.
Comment: The p.R208S variant (also known as c.624G>T), located in coding exon 2 of the TERT gene, results from a G to T substitution at nucleotide position 624. The arginine at codon 208 is replaced by serine, an amino acid with dissimilar properties. This amino acid position is conserved. In addition, this alteration is predicted to be tolerated by in silico analysis. Based on the available evidence, the clinical significance of this variant remains unclear.

Labcorp Genetics (formerly Invitae), Labcorp
Classification: Likely benign for Dyskeratosis congenita, autosomal dominant 2; Idiopathic Pulmonary Fibrosis. Last evaluated: 2025-02-17. Review status: criteria provided, single submitter. Criteria: Invitae Variant Classification Sherloc (09022015). Collection method: clinical testing. Allele origin: germline.

PreventionGenetics, part of Exact Sciences
Classification: Uncertain significance for TERT-related condition. Last evaluated: 2024-06-26. Review status: no assertion criteria provided. Collection method: clinical testing. Allele origin: germline. Not counted in ClinVar's aggregate classification.
Comment: The TERT c.624G>T variant is predicted to result in the amino acid substitution p.Arg208Ser. To our knowledge, this variant has not been reported in the literature. This variant is reported in 0.0035% of alleles in individuals of South Asian descent in gnomAD. At this time, the clinical significance of this variant is uncertain due to the absence of conclusive functional and genetic evidence.